The following is an entry in ClinVar:

ClinVar aggregate classification (germline): Uncertain significance (1 of 4 stars; one submission).

Allele frequency attached by ClinVar (database versions not stated): gnomAD 0.00001; gnomAD exomes 0.00001; TOPMed 0.00001.
gnomAD v4.1: 12 of 1,303,530 alleles (0.00092%); highest among the groups gnomAD compares: African/African-American, 0.003%; no homozygotes.

Submission:

Labcorp Genetics (formerly Invitae), Labcorp
Classification: Uncertain significance. Last evaluated: 2022-07-03. Review status: criteria provided, single submitter. Criteria: Invitae Variant Classification Sherloc (09022015). Collection method: clinical testing. Allele origin: germline.
Comment: This sequence change replaces lysine, which is basic and polar, with arginine, which is basic and polar, at codon 735 of the ERCC6L2 protein (p.Lys735Arg). This variant is present in population databases (no rsID available, gnomAD 0.01%). This variant has not been reported in the literature in individuals affected with ERCC6L2-related conditions. Algorithms developed to predict the effect of missense changes on protein structure and function are either unavailable or do not agree on the potential impact of this missense change (SIFT: "Tolerated"; PolyPhen-2: "Not Available"; Align-GVGD: "Class C0"). In summary, the available evidence is currently insufficient to determine the role of this variant in disease. Therefore, it has been classified as a Variant of Uncertain Significance.

NM_020207.7(ERCC6L2):c.2171A>G (p.Lys724Arg)

Gene: ERCC6L2 (ERCC excision repair 6 like 2; plus strand). Cytogenetic location: 9q22.32.
Variant type: single nucleotide variant.
Coding change: c.2171A>G on transcript NM_020207.7 (MANE Select); coding-DNA position 2171, A replaced by G.
Protein change: p.Lys724Arg; replaces lysine 724 with arginine.
Molecular consequence: missense variant. On other transcripts: non-coding transcript variant (1).
Genome position (GRCh38, 1-based): chr9:95,970,646, A>G. VCF-style: chr9-95970646-A-G. GRCh37 (hg19) VCF-style: chr9-98732928-A-G.
Other names: c.2171A>G, p.Lys724Arg (NM_001375291.1, NM_001375292.1, NM_001375293.1 and 1 more transcripts); short protein forms K724R.
Identifiers: ClinVar variation 1935147 (VCV001935147.2), dbSNP rs1194270147, ClinGen allele CA589284964.
Genomic context (GRCh38, chr9:95,970,646, plus strand): 5'-AAGTAGAAGCAGGGATCATGACAGCCACAACATGGTTGAAAGAGGGACCTCCAGCACACA[A>G]ACTGGAAATGGTATGTAATATTTGAACCTGTAGACTACAACACCTAGAAAACATGTACTG-3'
Protein context (NP_064592.3, residues 714-734): TWLKEGPPAH[Lys724Arg]LEMPRQPDCQ